The following is an entry in ClinVar:

ClinVar aggregate classification (germline): Likely benign. Review status: criteria provided, multiple submitters, no conflicts (2 of 4 stars). 2 submissions from 2 submitters: Likely benign (2). Last evaluated 2022-11-30.

Conditions:
Epidermolysis bullosa simplex, Ogna type (EBS5A). Also called: Pidermolysis bullosa simplex 5A, Ogna type; EPIDERMOLYSIS BULLOSA SIMPLEX 5A, OGNA TYPE. Identifiers: Orphanet 79401, MedGen C0432317, MONDO:0007555, OMIM 131950.
Epidermolysis bullosa simplex with nail dystrophy (EBS5D). Identifiers: MedGen C4225309, MONDO:0014661, OMIM 616487.
Epidermolysis bullosa simplex 5B, with muscular dystrophy (EBS5B). Also called: Epidermolysis bullosa simplex with muscular dystrophy; EPIDERMOLYSIS BULLOSA SIMPLEX AND LIMB-GIRDLE MUSCULAR DYSTROPHY. Identifiers: Orphanet 257, MedGen C2931072, MONDO:0009181, OMIM 226670.
Epidermolysis bullosa simplex 5C, with pyloric atresia (EBS5C). Also called: PLEC-Related Epidermolysis Bullosa with Pyloric Atresia; Epidermolysis bullosa simplex with pyloric atresia; PLEC1-Related Epidermolysis Bullosa with Pyloric Atresia. Identifiers: Orphanet 158684, MedGen C2677349, MONDO:0012807, OMIM 612138.
Autosomal recessive limb-girdle muscular dystrophy type 2Q (LGMDR17). Also called: MUSCULAR DYSTROPHY, LIMB-GIRDLE, AUTOSOMAL RECESSIVE 17. Identifiers: Orphanet 254361, MedGen C3150989, MONDO:0013390, OMIM 613723.

gnomAD v4.1: 49 of 1,595,368 alleles (0.0031%); highest among the groups gnomAD compares: Non-Finnish European, 0.0038%; no homozygotes.

Submissions (2):

Labcorp Genetics (formerly Invitae), Labcorp
Classification: Likely benign for Autosomal recessive limb-girdle muscular dystrophy type 2Q; Epidermolysis bullosa simplex, Ogna type; Epidermolysis bullosa simplex with nail dystrophy; Epidermolysis bullosa simplex 5C, with pyloric atresia; Epidermolysis bullosa simplex 5B, with muscular dystrophy. Last evaluated: 2022-11-30. Review status: criteria provided, single submitter. Criteria: Invitae Variant Classification Sherloc (09022015). Collection method: clinical testing. Allele origin: germline.

CeGaT Center for Human Genetics Tuebingen
Classification: Likely benign. Last evaluated: 2022-03-01. Review status: criteria provided, single submitter. Criteria: CeGaT Center For Human Genetics Tuebingen Variant Classification Criteria Version 2. Collection method: clinical testing. Allele origin: germline. Affected: yes. Observed: 1 variant allele.
Comment: PLEC: BP4, BP7

NM_201384.3(PLEC):c.4455T>A (p.Ala1485=)

Gene: PLEC (plectin; minus strand). Cytogenetic location: 8q24.3.
Variant type: single nucleotide variant.
Coding change: c.4455T>A on transcript NM_201384.3 (MANE Select); coding-DNA position 4455, T replaced by A.
Protein change: p.Ala1485=; no amino-acid change (alanine 1485 retained).
Molecular consequence: synonymous variant. On other transcripts: intron variant (1).
Genome position (GRCh38, 1-based): chr8:143,925,474, A>T on the plus strand (T>A on the coding strand, the complement: PLEC is on the minus strand). VCF-style: chr8-143925474-A-T. GRCh37 (hg19) VCF-style: chr8-144999642-A-T.
Other names: c.4536T>A, p.Ala1512= (NM_000445.5); c.4413T>A, p.Ala1471= (NM_201378.4); c.4389T>A, p.Ala1463= (NM_201379.3); c.4866T>A, p.Ala1622= (NM_201380.4); c.4359T>A, p.Ala1453= (NM_201381.3); c.4455T>A, p.Ala1485= (NM_201382.4); c.4467T>A, p.Ala1489= (NM_201383.3); c.4125+1310T>A (NM_001410941.1).
Identifiers: ClinVar variation 2150920 (VCV002150920.28), dbSNP rs56117011, ClinGen allele CA4926651.
Genomic context (GRCh38, chr8:143,925,474, plus strand): 5'-GTCCTGCACCTGCCTCCGCAAGCGCTCGGCCTCCTCCTGCGCCTGTCGCTTTTGTGCCTC[A>T]GCCTCCTCCGCCCGTGCACGCAGTGCCTGCAGCTCCCCCTCAGCCCCGCCACGCTGGCGC-3'
Protein context (NP_958786.1, residues 1475-1495): LQALRARAEE[Ala1485=]EAQKRQAQEE